The following is an entry in ClinVar:

ClinVar aggregate classification (germline): Uncertain significance (1 of 4 stars; one submission).

Submission:

Labcorp Genetics (formerly Invitae), Labcorp
Classification: Uncertain significance. Last evaluated: 2023-03-20. Review status: criteria provided, single submitter. Criteria: Invitae Variant Classification Sherloc (09022015). Collection method: clinical testing. Allele origin: germline.
Comment: This sequence change replaces aspartic acid, which is acidic and polar, with valine, which is neutral and non-polar, at codon 1223 of the CACNA1F protein (p.Asp1223Val). This variant is not present in population databases (gnomAD no frequency). This variant has not been reported in the literature in individuals affected with CACNA1F-related conditions. Advanced modeling of protein sequence and biophysical properties (such as structural, functional, and spatial information, amino acid conservation, physicochemical variation, residue mobility, and thermodynamic stability) performed at Invitae indicates that this missense variant is not expected to disrupt CACNA1F protein function. In summary, the available evidence is currently insufficient to determine the role of this variant in disease. Therefore, it has been classified as a Variant of Uncertain Significance.

NM_001256789.3(CACNA1F):c.3635A>T (p.Asp1212Val)

Gene: CACNA1F (calcium voltage-gated channel subunit alpha1 F; minus strand). Cytogenetic location: Xp11.23.
Variant type: single nucleotide variant.
Coding change: c.3635A>T on transcript NM_001256789.3 (MANE Select); coding-DNA position 3635, A replaced by T.
Protein change: p.Asp1212Val; replaces aspartic acid 1212 with valine.
Molecular consequence: missense variant.
Genome position (GRCh38, 1-based): chrX:49,214,232, T>A on the plus strand (A>T on the coding strand, the complement: CACNA1F is on the minus strand). VCF-style: chrX-49214232-T-A. GRCh37 (hg19) VCF-style: chrX-49070692-T-A.
Other names: c.3473A>T, p.Asp1158Val (NM_001256790.3); c.3668A>T, p.Asp1223Val (NM_005183.4); short protein forms D1223V, D1212V, D1158V.
Identifiers: ClinVar variation 2847844 (VCV002847844.3), dbSNP rs2520853901, ClinGen allele CA412962912.